The following is an entry in ClinVar:

ClinVar aggregate classification (germline): Uncertain significance (1 of 4 stars; one submission).

Allele frequency attached by ClinVar (database versions not stated): TOPMed 0.00001; gnomAD exomes 0.00002.
gnomAD v4.1: 11 of 1,613,380 alleles (0.00068%); highest among the groups gnomAD compares: East Asian, 0.0067%; no homozygotes.

Submission:

Labcorp Genetics (formerly Invitae), Labcorp
Classification: Uncertain significance. Last evaluated: 2023-08-10. Review status: criteria provided, single submitter. Criteria: Invitae Variant Classification Sherloc (09022015). Collection method: clinical testing. Allele origin: germline.
Comment: ClinVar contains an entry for this variant (Variation ID: 1024001). An algorithm developed to predict the effect of missense changes on protein structure and function (PolyPhen-2) suggests that this variant is likely to be disruptive. In summary, the available evidence is currently insufficient to determine the role of this variant in disease. Therefore, it has been classified as a Variant of Uncertain Significance. This variant has not been reported in the literature in individuals affected with HSPG2-related conditions. This sequence change replaces valine, which is neutral and non-polar, with methionine, which is neutral and non-polar, at codon 3976 of the HSPG2 protein (p.Val3976Met). This variant is present in population databases (no rsID available, gnomAD 0.02%).

NM_005529.7(HSPG2):c.11926G>A (p.Val3976Met)

Gene: HSPG2 (heparan sulfate proteoglycan 2; minus strand). Cytogenetic location: 1p36.12.
Variant type: single nucleotide variant.
Coding change: c.11926G>A on transcript NM_005529.7 (MANE Select); coding-DNA position 11926, G replaced by A.
Protein change: p.Val3976Met; replaces valine 3976 with methionine.
Molecular consequence: missense variant.
Genome position (GRCh38, 1-based): chr1:21,829,449, C>T on the plus strand (G>A on the coding strand, the complement: HSPG2 is on the minus strand). VCF-style: chr1-21829449-C-T. GRCh37 (hg19) VCF-style: chr1-22155942-C-T.
Other names: c.11929G>A, p.Val3977Met (NM_001291860.2); short protein forms V3976M, V3977M.
Identifiers: ClinVar variation 1024001 (VCV001024001.8), dbSNP rs1355891587, ClinGen allele CA338901860.